The following is an entry in ClinVar:

ClinVar aggregate classification (germline): Uncertain significance. Review status: criteria provided, multiple submitters, no conflicts (2 of 4 stars). 4 submissions from 4 submitters: Uncertain significance (4). Last evaluated 2025-07-11.

Conditions:
Hereditary nonpolyposis colorectal neoplasms. Identifiers: MedGen C0009405, MeSH D003123.
Hereditary cancer-predisposing syndrome. Also called: Hereditary Cancer Syndrome; Hereditary neoplastic syndrome; Neoplastic Syndromes, Hereditary; Tumor predisposition. Identifiers: Orphanet 140162, MedGen C0027672, MeSH D009386, MONDO:0015356.

Allele frequency attached by ClinVar (database versions not stated): gnomAD 0.00001.
gnomAD v4.1: 1 of 1,613,986 alleles (0.000062%); highest among the groups gnomAD compares: Admixed American, 0.0017%; no homozygotes.

Submissions (4):

Ambry Genetics
Classification: Uncertain significance for Hereditary cancer-predisposing syndrome. Last evaluated: 2025-07-11. Review status: criteria provided, single submitter. Criteria: Ambry Variant Classification Scheme 2023. Collection method: clinical testing. Allele origin: germline.
Comment: The p.P1110R variant (also known as c.3329C>G), located in coding exon 5 of the MSH6 gene, results from a C to G substitution at nucleotide position 3329. The proline at codon 1110 is replaced by arginine, an amino acid with dissimilar properties. This amino acid position is highly conserved in available vertebrate species. In addition, this alteration is predicted to be deleterious by in silico analysis. Since supporting evidence is limited at this time, the clinical significance of this alteration remains unclear.

Labcorp Genetics (formerly Invitae), Labcorp
Classification: Uncertain significance for Hereditary nonpolyposis colorectal neoplasms. Last evaluated: 2025-06-01. Review status: criteria provided, single submitter. Criteria: Invitae Variant Classification Sherloc (09022015). Collection method: clinical testing. Allele origin: germline.
Comment: This sequence change replaces proline, which is neutral and non-polar, with arginine, which is basic and polar, at codon 1110 of the MSH6 protein (p.Pro1110Arg). This variant is present in population databases (no rsID available, gnomAD no frequency). This variant has not been reported in the literature in individuals affected with MSH6-related conditions. ClinVar contains an entry for this variant (Variation ID: 455248). Invitae Evidence Modeling of protein sequence and biophysical properties (such as structural, functional, and spatial information, amino acid conservation, physicochemical variation, residue mobility, and thermodynamic stability) has been performed for this missense variant. However, the output from this modeling did not meet the statistical confidence thresholds required to predict the impact of this variant on MSH6 protein function. In summary, the available evidence is currently insufficient to determine the role of this variant in disease. Therefore, it has been classified as a Variant of Uncertain Significance.

Quest Diagnostics Nichols Institute San Juan Capistrano
Classification: Uncertain significance. Last evaluated: 2024-07-24. Review status: criteria provided, single submitter. Criteria: Quest Diagnostics criteria. Collection method: clinical testing. Allele origin: unknown.
Comment: The MSH6 c.3329C>G (p.Pro1110Arg) variant has not been reported in individuals with MSH6-related conditions in the published literature. The frequency of this variant in the general population, 0.000032 (1/31396 chromosomes (Genome Aggregation Database)), is uninformative in the assessment of its pathogenicity. Analysis of this variant using bioinformatics tools for the prediction of the effect of amino acid changes on protein structure and function yielded predictions that this variant is damaging. Based on the available information, we are unable to determine the clinical significance of this variant.

GeneDx
Classification: Uncertain significance. Last evaluated: 2019-04-25. Review status: criteria provided, single submitter. Criteria: GeneDx Variant Classification Process June 2021. Collection method: clinical testing. Allele origin: germline. Affected: yes.
Comment: Not observed at a significant frequency in large population cohorts (Lek et al., 2016); Has not been previously published as pathogenic or benign to our knowledge

NM_000179.3(MSH6):c.3329C>G (p.Pro1110Arg)

Gene: MSH6 (mutS homolog 6; plus strand). Cytogenetic location: 2p16.3.
Variant type: single nucleotide variant.
Coding change: c.3329C>G on transcript NM_000179.3 (MANE Select); coding-DNA position 3329, C replaced by G.
Protein change: p.Pro1110Arg; replaces proline 1110 with arginine.
Molecular consequence: missense variant.
Genome position (GRCh38, 1-based): chr2:47,803,576, C>G. VCF-style: chr2-47803576-C-G. GRCh37 (hg19) VCF-style: chr2-48030715-C-G.
Other names: c.2939C>G, p.Pro980Arg (NM_001281492.2); c.2423C>G, p.Pro808Arg (NM_001281493.2, NM_001281494.2); short protein forms P1110R, P808R, P980R.
Identifiers: ClinVar variation 455248 (VCV000455248.16), dbSNP rs1270167314, ClinGen allele CA346758716.
Genomic context (GRCh38, chr2:47,803,576, plus strand): 5'-AGCTTAAAGGATCACGCCATCCTTGCATTACGAAGACTTTTTTTGGAGATGATTTTATTC[C>G]TAATGACATTCTAATAGGCTGTGAGGAAGAGGAGCAGGAAAATGGCAAAGCCTATTGTGT-3'
Protein context (NP_000170.1, residues 1100-1120): TKTFFGDDFI[Pro1110Arg]NDILIGCEEE